The following is an entry in ClinVar:

NM_001042702.5(PJVK):c.592G>C (p.Ala198Pro)

Gene: PJVK (pejvakin; plus strand). Cytogenetic location: 2q31.2.
Variant type: single nucleotide variant.
Coding change: c.592G>C on transcript NM_001042702.5 (MANE Select); coding-DNA position 592, G replaced by C.
Protein change: p.Ala198Pro; replaces alanine 198 with proline.
Molecular consequence: missense variant.
Genome position (GRCh38, 1-based): chr2:178,458,552, G>C. VCF-style: chr2-178458552-G-C. GRCh37 (hg19) VCF-style: chr2-179323279-G-C.
Other names: c.601G>C, p.Ala201Pro (NM_001353775.2); c.697G>C, p.Ala233Pro (NM_001353776.2); c.115G>C, p.Ala39Pro (NM_001353777.1, NM_001353778.2); c.592G>C, p.Ala198Pro (NM_001369912.1); short protein forms A198P, A201P, A233P, A39P.
Identifiers: ClinVar variation 1333037 (VCV001333037.2), dbSNP rs1261858424, ClinGen allele CA349400344.

ClinVar aggregate classification (germline): Uncertain significance (1 of 4 stars; one submission).

Allele frequency attached by ClinVar (database versions not stated): gnomAD exomes below 0.00001.
gnomAD v4.1: 2 of 1,613,996 alleles (0.00012%); highest among the groups gnomAD compares: Admixed American, 0.0017%; no homozygotes.

Submission:

GeneDx
Classification: Uncertain significance. Last evaluated: 2022-01-06. Review status: criteria provided, single submitter. Criteria: GeneDx Variant Classification Process June 2021. Collection method: clinical testing. Allele origin: germline. Affected: yes.
Comment: Not observed at significant frequency in large population cohorts (gnomAD); In silico analysis supports that this missense variant does not alter protein structure/function; Has not been previously published as pathogenic or benign to our knowledge